The following is an entry in ClinVar:

ClinVar aggregate classification (germline): Uncertain significance (1 of 4 stars; one submission).

gnomAD v4.1: 4 of 700,328 alleles (0.00057%); highest among the groups gnomAD compares: Non-Finnish European, 0.00052%; no homozygotes.

Submission:

Labcorp Genetics (formerly Invitae), Labcorp
Classification: Uncertain significance. Last evaluated: 2020-11-27. Review status: criteria provided, single submitter. Criteria: Invitae Variant Classification Sherloc (09022015). Collection method: clinical testing. Allele origin: germline.
Comment: In summary, the available evidence is currently insufficient to determine the role of this variant in disease. Therefore, it has been classified as a Variant of Uncertain Significance. Experimental studies and prediction algorithms are not available or were not evaluated, and the functional significance of this variant is currently unknown. This variant has not been reported in the literature in individuals with RNU4ATAC-related conditions. The frequency data for this variant in the population databases is considered unreliable, as metrics indicate insufficient coverage at this position in the ExAC database. This variant occurs in the RNU4ATAC gene, which encodes an RNA molecule that does not result in a protein product.

NC_000002.12:g.121530973A>T

Genes: CLASP1 (cytoplasmic linker associated protein 1; minus strand), CLASP1-AS1 (CLASP1 antisense RNA 1; plus strand), RNU4ATAC (RNA, U4atac small nuclear; plus strand). Cytogenetic location: 2q14.2.
Variant type: single nucleotide variant.
Molecular consequence: intron variant (on NM_001395891.1).
Genome position: GRCh38 VCF-style: chr2-121530973-A-T. GRCh37 (hg19) VCF-style: chr2-122288549-A-T.
Other names: c.196-648T>A (NM_001142274.2, NM_015282.3, NM_001378003.1 and 5 more transcripts).
Identifiers: ClinVar variation 1468054 (VCV001468054.6), dbSNP rs1431191518, ClinGen allele CA428888129.